The following is an entry in ClinVar:

NC_000023.11:g.(?_31929586)_(32545344_?)dup

Gene: DMD (dystrophin; minus strand). Cytogenetic location: Xp21.1.
Variant type: Duplication.
Identifiers: ClinVar variation 833325 (VCV000833325.7).

ClinVar aggregate classification (germline): Uncertain significance (1 of 4 stars; one submission).

Conditions:
Duchenne muscular dystrophy (DMD). Also called: Duchenne Muscular Dystrophy (DMD); MUSCULAR DYSTROPHY, PSEUDOHYPERTROPHIC PROGRESSIVE, DUCHENNE TYPE. Identifiers: Orphanet 98896, MedGen C0013264, MONDO:0010679, OMIM 310200.

Submission:

Labcorp Genetics (formerly Invitae), Labcorp
Classification: Uncertain significance for Duchenne muscular dystrophy. Last evaluated: 2019-03-22. Review status: criteria provided, single submitter. Criteria: Invitae Variant Classification Sherloc (09022015). Collection method: clinical testing. Allele origin: germline.
Comment: In summary, the available evidence is currently insufficient to determine the role of this variant in disease. Therefore, it has been classified as a Variant of Uncertain Significance. This variant has not been reported in the literature in individuals with DMD-related conditions. This variant results in a copy number gain of the genomic region encompassing exons 17-47 of the DMD gene. While the exact position of this variant cannot be determined from this data, sub-genic copy number gains are generally in tandem (PMID: 25640679). This variant would be expected to be in-frame, preserving the integrity of the reading frame.

Literature cited by the submitters: PubMed 25640679.